The following is an entry in ClinVar:

ClinVar aggregate classification (germline): Likely pathogenic. Review status: criteria provided, multiple submitters, no conflicts (2 of 4 stars). 4 submissions from 4 submitters: Likely pathogenic (4). Last evaluated 2024-01-30.

Conditions:
Malaria, susceptibility to. Identifiers: Orphanet 673, MedGen C1970028, MONDO:0021024, OMIM 611162.
Anemia, nonspherocytic hemolytic, due to G6PD deficiency (CNSHA1). Also called: Hemolytic anemia due to G6PD deficiency; ANEMIA, CONGENITAL, NONSPHEROCYTIC HEMOLYTIC, 1; Class I glucose-6-phosphate dehydrogenase deficiency; Favism, susceptibility to. Identifiers: Orphanet 466026, MedGen C2720289, MONDO:0010480, OMIM 300908.
Familial hemolytic anemia. Also called: Congenital hemolytic anemia. Identifiers: MedGen C0002881, MONDO:0003689, HP:0004804.

Allele frequency attached by ClinVar (database versions not stated): gnomAD exomes 0.00001.
gnomAD v4.1: 4 of 1,211,348 alleles (0.00033%); highest among the groups gnomAD compares: African/African-American, 0.0017%; no homozygotes.

Submissions (4):

Baylor Genetics
Classification: Likely pathogenic for Malaria, susceptibility to. Last evaluated: 2024-01-30. Review status: criteria provided, single submitter. Criteria: ACMG Guidelines, 2015. Collection method: clinical testing. Allele origin: unknown.

Labcorp Genetics (formerly Invitae), Labcorp
Classification: Likely pathogenic for Anemia, nonspherocytic hemolytic, due to G6PD deficiency. Last evaluated: 2024-01-16. Review status: criteria provided, single submitter. Criteria: Invitae Variant Classification Sherloc (09022015). Collection method: clinical testing. Allele origin: germline.
Comment: This sequence change replaces valine, which is neutral and non-polar, with isoleucine, which is neutral and non-polar, at codon 150 of the G6PD protein (p.Val150Ile). This variant is not present in population databases (gnomAD no frequency). This missense change has been observed in individual(s) with glucose-6-phosphate dehydrogenase deficiency and/or hemolytic anemia (PMID: 32641076, 33128437). This variant is also known as p.V180I, G6PD Baise. ClinVar contains an entry for this variant (Variation ID: 544826). Advanced modeling of protein sequence and biophysical properties (such as structural, functional, and spatial information, amino acid conservation, physicochemical variation, residue mobility, and thermodynamic stability) performed at Invitae indicates that this missense variant is expected to disrupt G6PD protein function with a positive predictive value of 95%. In summary, the currently available evidence indicates that the variant is pathogenic, but additional data are needed to prove that conclusively. Therefore, this variant has been classified as Likely Pathogenic.

Dunham Lab, University of Washington
Classification: Likely pathogenic for Anemia, nonspherocytic hemolytic, due to G6PD deficiency. Last evaluated: 2022-08-12. Review status: criteria provided, single submitter. Criteria: Bayesian ACMG Guidelines, 2018. Collection method: curation. Allele origin: unknown. Affected: yes.
Comment: Decreased activity in red blood cells of hemizygote (4%) (PS3). Not observed in gnomAD (PM2). Post_P 0.949 (odds of pathogenicity 168.4, Prior_P 0.1).

Department of Genetic, Henri Mondor Hospital, Assistance Publique des Hôpitaux de Paris
Classification: Likely pathogenic for Familial hemolytic anemia. Last evaluated: 2018-02-27. Review status: criteria provided, single submitter. Criteria: ACMG Guidelines, 2015. Collection method: clinical testing. Allele origin: germline. Affected: yes.

Literature cited by the submitters: PubMed 32641076 (cited by Labcorp Genetics (formerly Invitae), Labcorp); PubMed 33128437 (cited by Labcorp Genetics (formerly Invitae), Labcorp); PubMed 5316621 (cited by Dunham Lab, University of Washington).

NM_001360016.2(G6PD):c.448G>A (p.Val150Ile)

Gene: G6PD (glucose-6-phosphate dehydrogenase; minus strand). Cytogenetic location: Xq28.
Variant type: single nucleotide variant.
Coding change: c.448G>A on transcript NM_001360016.2 (MANE Select); coding-DNA position 448, G replaced by A.
Protein change: p.Val150Ile; replaces valine 150 with isoleucine.
Molecular consequence: missense variant.
Genome position (GRCh38, 1-based): chrX:154,535,205, C>T on the plus strand (G>A on the coding strand, the complement: G6PD is on the minus strand). VCF-style: chrX-154535205-C-T. GRCh37 (hg19) VCF-style: chrX-153763420-C-T.
Other names: G6PD Paris; c.538G>A, p.Val180Ile (NM_000402.4); c.448G>A, p.Val150Ile (NM_001042351.3); short protein forms V150I, V180I.
Identifiers: ClinVar variation 544826 (VCV000544826.7), dbSNP rs1557230573, ClinGen allele CA415238421.